The following is an entry in ClinVar:

NM_001903.5(CTNNA1):c.248G>C (p.Ser83Thr)

Gene: CTNNA1 (catenin alpha 1; plus strand). Cytogenetic location: 5q31.2.
Variant type: single nucleotide variant.
Coding change: c.248G>C on transcript NM_001903.5 (MANE Select); coding-DNA position 248, G replaced by C.
Protein change: p.Ser83Thr; replaces serine 83 with threonine.
Molecular consequence: missense variant. On other transcripts: intron variant (2).
Genome position (GRCh38, 1-based): chr5:138,783,319, G>C. VCF-style: chr5-138783319-G-C. GRCh37 (hg19) VCF-style: chr5-138119008-G-C.
Other names: c.248G>C, p.Ser83Thr (NM_001290307.3, NM_001323982.2, NM_001323983.1 and 3 more transcripts); c.-6+47G>C (NM_001290310.3); c.-9+1290G>C (NM_001290309.3); short protein forms S83T.
Identifiers: ClinVar variation 4007977 (VCV004007977.1).

ClinVar aggregate classification (germline): Uncertain significance (1 of 4 stars; one submission).

Conditions:
Hereditary cancer-predisposing syndrome. Also called: Tumor predisposition; Hereditary neoplastic syndrome; Neoplastic Syndromes, Hereditary; Hereditary Cancer Syndrome. Identifiers: Orphanet 140162, MedGen C0027672, MeSH D009386, MONDO:0015356.

Submission:

Ambry Genetics
Classification: Uncertain significance for Hereditary cancer-predisposing syndrome. Last evaluated: 2025-04-09. Review status: criteria provided, single submitter. Criteria: Ambry Variant Classification Scheme 2023. Collection method: clinical testing. Allele origin: germline.
Comment: The p.S83T variant (also known as c.248G>C), located in coding exon 2 of the CTNNA1 gene, results from a G to C substitution at nucleotide position 248. The serine at codon 83 is replaced by threonine, an amino acid with similar properties. This amino acid position is conserved. In addition, this alteration is predicted to be tolerated by in silico analysis. Based on the available evidence, the clinical significance of this variant remains unclear.